The following is an entry in ClinVar:

NM_001371986.1(UNC80):c.69G>T (p.Gln23His)

Gene: UNC80 (unc-80 subunit of NALCN channel complex; plus strand). Cytogenetic location: 2q34.
Variant type: single nucleotide variant.
Coding change: c.69G>T on transcript NM_001371986.1 (MANE Select); coding-DNA position 69, G replaced by T.
Protein change: p.Gln23His; replaces glutamine 23 with histidine.
Molecular consequence: missense variant.
Genome position (GRCh38, 1-based): chr2:209,772,141, G>T. VCF-style: chr2-209772141-G-T. GRCh37 (hg19) VCF-style: chr2-210636865-G-T.
Other names: c.69G>T, p.Gln23His (NM_032504.2, NM_182587.4); short protein forms Q23H.
Identifiers: ClinVar variation 1901582 (VCV001901582.5), dbSNP rs906070422, ClinGen allele CA64662203.

ClinVar aggregate classification (germline): Uncertain significance (1 of 4 stars; one submission).

Allele frequency attached by ClinVar (database versions not stated): gnomAD exomes below 0.00001.
gnomAD v4.1: 2 of 1,547,604 alleles (0.00013%); highest among the groups gnomAD compares: Non-Finnish European, 0.00017%; no homozygotes.

Submission:

Labcorp Genetics (formerly Invitae), Labcorp
Classification: Uncertain significance. Last evaluated: 2022-03-06. Review status: criteria provided, single submitter. Criteria: Invitae Variant Classification Sherloc (09022015). Collection method: clinical testing. Allele origin: germline.
Comment: This sequence change replaces glutamine, which is neutral and polar, with histidine, which is basic and polar, at codon 23 of the UNC80 protein (p.Gln23His). This variant is not present in population databases (gnomAD no frequency). This variant has not been reported in the literature in individuals affected with UNC80-related conditions. Algorithms developed to predict the effect of missense changes on protein structure and function are either unavailable or do not agree on the potential impact of this missense change (SIFT: "Not Available"; PolyPhen-2: "Possibly Damaging"; Align-GVGD: "Not Available"). In summary, the available evidence is currently insufficient to determine the role of this variant in disease. Therefore, it has been classified as a Variant of Uncertain Significance.